The following is an entry in ClinVar:

ClinVar aggregate classification (germline): Benign. Review status: criteria provided, multiple submitters, no conflicts (2 of 4 stars). 4 submissions from 3 submitters: Benign (4). Last evaluated 2021-07-22.

Conditions:
Congenital myotonia, autosomal recessive form. Also called: BECKER DISEASE; Becker Generalized Myotonia; myotonia congenita, autosomal recessive. Identifiers: Orphanet 614, MedGen C0751360, MONDO:0009715, OMIM 255700.
Congenital myotonia, autosomal dominant form (THD). Also called: THOMSEN DISEASE; Myotonia congenita autosomal dominant. Identifiers: Orphanet 614, MedGen C2936781, MONDO:0008055, OMIM 160800.

Allele frequency attached by ClinVar (database versions not stated): 1000 Genomes Project 0.41434; 1000 Genomes Project 30x 0.41896; gnomAD 0.43455; TOPMed 0.46531.
gnomAD v4.1: 641,512 of 1,575,774 alleles (41%); highest among the groups gnomAD compares: African/African-American, 63%; 136,426 homozygotes.

Submissions (4):

Genome-Nilou Lab
Classification: Benign for Congenital myotonia, autosomal dominant form. Last evaluated: 2021-07-22. Review status: criteria provided, single submitter. Criteria: ACMG Guidelines, 2015. Collection method: clinical testing. Allele origin: germline. Affected: no.

Genome-Nilou Lab
Classification: Benign for Congenital myotonia, autosomal recessive form. Last evaluated: 2021-07-22. Review status: criteria provided, single submitter. Criteria: ACMG Guidelines, 2015. Collection method: clinical testing. Allele origin: germline. Affected: no.

GeneDx
Classification: Benign. Last evaluated: 2018-06-19. Review status: criteria provided, single submitter. Criteria: GeneDx Variant Classification (06012015). Collection method: clinical testing. Allele origin: germline. Affected: yes.
Comment: This variant is considered likely benign or benign based on one or more of the following criteria: it is a conservative change, it occurs at a poorly conserved position in the protein, it is predicted to be benign by multiple in silico algorithms, and/or has population frequency not consistent with disease.

Breakthrough Genomics
Classification: Benign. Review status: criteria provided, single submitter. Criteria: ACMG Guidelines, 2015. Collection method: not provided. Allele origin: germline. Inheritance: Autosomal recessive inheritance. Affected: yes.

NM_000083.3(CLCN1):c.433+72C>G

Gene: CLCN1 (chloride voltage-gated channel 1; plus strand). Cytogenetic location: 7q34.
Variant type: single nucleotide variant.
Coding change: c.433+72C>G on transcript NM_000083.3 (MANE Select); 72 bases into the intron after coding-DNA position 433, C replaced by G.
Molecular consequence: intron variant.
Genome position (GRCh38, 1-based): chr7:143,320,867, C>G. VCF-style: chr7-143320867-C-G. GRCh37 (hg19) VCF-style: chr7-143017960-C-G.
Identifiers: ClinVar variation 679150 (VCV000679150.5), dbSNP rs7800971, ClinGen allele CA12676280.